The following is an entry in ClinVar:

ClinVar aggregate classification (germline): Pathogenic (1 of 4 stars; one submission).

Conditions:
X-linked lymphoproliferative syndrome. Also called: X-Linked Lymphoproliferative Disease. Identifiers: Orphanet 2442, MedGen C0549463, MONDO:0010627.

Submission:

Women's Health and Genetics/Laboratory Corporation of America, LabCorp
Classification: Pathogenic for X-Linked Lymphoproliferative Syndrome. Last evaluated: 2018-04-13. Review status: criteria provided, single submitter. Criteria: LabCorp Variant Classification Summary - May 2015. Collection method: clinical testing. Allele origin: germline.
Comment: Variant summary: SH2D1A c.20A>G (p.Tyr7Cys) results in a non-conservative amino acid change located in the SH2 domain of the encoded protein sequence. Five of five in-silico tools predict a damaging effect of the variant on protein function. The variant was absent in 87455 control chromosomes (ExAC). The variant, c.20A>G, has been reported in the literature in multiple individuals affected with X-linked Lymphoproliferative Disease (Morra_2001, Gifford_2014, Kanegane_2012, Sperl_2012). These data indicate that the variant is very likely to be associated with disease. A publication, Morra_2001, functionally assessed the variant and found it to significantly decrease SH2D1A protein half-life. No clinical diagnostic laboratories have submitted clinical-significance assessments for this variant to ClinVar after 2014. Based on the evidence outlined above, the variant was classified as pathogenic.

Literature cited by the submitters: PubMed 11477068; PubMed 23143765; PubMed 22433061; PubMed 26305518; PubMed 11049992.

NM_002351.5(SH2D1A):c.20A>G (p.Tyr7Cys)

Gene: SH2D1A (SH2 domain containing 1A; plus strand). Cytogenetic location: Xq25.
Variant type: single nucleotide variant.
Coding change: c.20A>G on transcript NM_002351.5 (MANE Select); coding-DNA position 20, A replaced by G.
Protein change: p.Tyr7Cys; replaces tyrosine 7 with cysteine.
Molecular consequence: missense variant.
Genome position (GRCh38, 1-based): chrX:124,346,662, A>G. VCF-style: chrX-124346662-A-G. GRCh37 (hg19) VCF-style: chrX-123480512-A-G.
Other names: c.20A>G, p.Tyr7Cys (NM_001114937.3); short protein forms Y7C.
Identifiers: ClinVar variation 633415 (VCV000633415.1), dbSNP rs1569527111, ClinGen allele CA414122199.